The following is an entry in ClinVar:

ClinVar aggregate classification (germline): Uncertain significance (1 of 4 stars; one submission).

Conditions:
Lissencephaly 9 with complex brainstem malformation. Identifiers: Orphanet 572013, MedGen C5193029, MONDO:0032677, OMIM 618325.

Submission:

MVZ Medizinische Genetik Mainz
Classification: Uncertain significance for Lissencephaly 9 with complex brainstem malformation. Last evaluated: 2023-03-08. Review status: criteria provided, single submitter. Criteria: UK Practice Guidelines For Variant Classification V4 01 2020. Collection method: clinical testing. Allele origin: germline. Inheritance: Autosomal dominant inheritance. Affected: yes. Observed: 1 variant allele.
Comment: ACMG Criteria: PVS1_MOD,PM2_SUP, BS2

NM_001394062.1(MACF1):c.3034del (p.Arg1012fs)

Gene: MACF1 (microtubule actin crosslinking factor 1; plus strand). Cytogenetic location: 1p34.3.
Variant type: Deletion.
Coding change: c.3034del on transcript NM_001394062.1 (MANE Select); coding-DNA position 3034, one base deleted (C; older notation c.3034delC).
Protein change: p.Arg1012fs; shifts the reading frame from arginine 1012.
Molecular consequence: frameshift variant.
Genome position (GRCh38, 1-based): chr1:39,310,362, C deleted. VCF-style (leftmost placement, unchanged base first): chr1-39310361-GC-G. GRCh37 (hg19) VCF-style: chr1-39776033-GC-G.
Other names: c.3049del, p.Arg1017fs (NM_012090.5); short protein forms R1012fs, R1017fs.
Identifiers: ClinVar variation 3236036 (VCV003236036.1), dbSNP rs2521736676, ClinGen allele CA2825000960.